The following is an entry in ClinVar:

NM_017636.4(TRPM4):c.3329-1G>A

Gene: TRPM4 (transient receptor potential cation channel subfamily M member 4; plus strand). Cytogenetic location: 19q13.33.
Variant type: single nucleotide variant.
Coding change: c.3329-1G>A on transcript NM_017636.4 (MANE Select); the canonical splice acceptor site of the intron before coding-DNA position 3329, G replaced by A.
Molecular consequence: splice acceptor variant.
Genome position (GRCh38, 1-based): chr19:49,210,709, G>A. VCF-style: chr19-49210709-G-A. GRCh37 (hg19) VCF-style: chr19-49713966-G-A.
Other names: c.2894-1G>A (NM_001195227.2); c.1721-1G>A (NM_001321282.2); c.2984-1G>A (NM_001321281.2); c.2807-1G>A (NM_001321283.2); c.2267-1G>A (NM_001321285.2).
Identifiers: ClinVar variation 3701438 (VCV003701438.2).

ClinVar aggregate classification (germline): Uncertain significance (1 of 4 stars; one submission).

Conditions:
Progressive familial heart block type IB (PFHB1B). Identifiers: Orphanet 871, MedGen C1970298, MONDO:0011474, OMIM 604559.

Submission:

Labcorp Genetics (formerly Invitae), Labcorp
Classification: Uncertain significance for Progressive familial heart block type IB. Last evaluated: 2024-08-14. Review status: criteria provided, single submitter. Criteria: Invitae Variant Classification Sherloc (09022015). Collection method: clinical testing. Allele origin: germline.
Comment: This sequence change affects an acceptor splice site in intron 21 of the TRPM4 gene. It is expected to disrupt RNA splicing. Variants that disrupt the donor or acceptor splice site typically lead to a loss of protein function (PMID: 16199547), however the current clinical and genetic evidence is not sufficient to establish whether loss-of-function variants in TRPM4 cause disease. This variant is not present in population databases (gnomAD no frequency). This variant has not been reported in the literature in individuals affected with TRPM4-related conditions. Algorithms developed to predict the effect of sequence changes on RNA splicing suggest that this variant may disrupt the consensus splice site. In summary, the available evidence is currently insufficient to determine the role of this variant in disease. Therefore, it has been classified as a Variant of Uncertain Significance.

Literature cited by the submitters: PubMed 16199547.